The following is an entry in ClinVar:

NM_000551.4(VHL):c.340+767G>C

Genes: VHL (von Hippel-Lindau tumor suppressor; plus strand), LOC107303340 (3p25 von Hippel-Lindau tumor suppressor, E3 ubiquitin protein ligase Alu-mediated recombination region; plus strand). Cytogenetic location: 3p25.3.
Variant type: single nucleotide variant.
Coding change: c.340+767G>C on transcript NM_000551.4 (MANE Select); 767 bases into the intron after coding-DNA position 340, G replaced by C.
Molecular consequence: intron variant. On other transcripts: missense variant (1).
Genome position (GRCh38, 1-based): chr3:10,142,954, G>C. VCF-style: chr3-10142954-G-C. GRCh37 (hg19) VCF-style: chr3-10184638-G-C.
Other names: c.532G>C, p.Val178Leu (NM_001354723.2); c.340+767G>C (NM_198156.3); short protein forms V178L.
Identifiers: ClinVar variation 1374718 (VCV001374718.6), dbSNP rs1696163478, ClinGen allele CA2573136135.

ClinVar aggregate classification (germline): Uncertain significance (1 of 4 stars; one submission).

Conditions:
Chuvash polycythemia. Also called: POLYCYTHEMIA, VHL-DEPENDENT. Identifiers: Orphanet 238557, MedGen C1837915, MONDO:0009892, OMIM 263400.
Von Hippel-Lindau syndrome (VHLS). Also called: Von Hippel-Lindau; von Hippel–Lindau syndrome; VHL syndrome. Identifiers: Orphanet 892, MedGen C0019562, MONDO:0008667, OMIM 193300. Disease mechanism: loss of function.

Submission:

Labcorp Genetics (formerly Invitae), Labcorp
Classification: Uncertain significance for Von Hippel-Lindau syndrome; Chuvash polycythemia. Last evaluated: 2025-06-30. Review status: criteria provided, single submitter. Criteria: Invitae Variant Classification Sherloc (09022015). Collection method: clinical testing. Allele origin: germline.
Comment: This sequence change falls in intron 1 of the VHL gene. It is not expected to change the encoded amino acid sequence of the VHL protein. However, this sequence change falls within a cryptic exon in the VHL gene, known as exon E1’, which is naturally expressed at low levels in several human tissues (PMID: 29891534). This variant is not present in population databases (gnomAD no frequency). This variant has not been reported in the literature in individuals affected with VHL-related conditions. ClinVar contains an entry for this variant (Variation ID: 1374718). Algorithms developed to predict the effect of sequence changes on RNA splicing suggest that this variant is not likely to affect RNA splicing. In summary, the available evidence is currently insufficient to determine the role of this variant in disease. Therefore, it has been classified as a Variant of Uncertain Significance.

Literature cited by the submitters: PubMed 29891534.